The following is an entry in ClinVar:

NM_182916.3(TRNT1):c.608+325T>G

Gene: TRNT1 (tRNA nucleotidyl transferase 1; plus strand). Cytogenetic location: 3p26.2.
Variant type: single nucleotide variant.
Coding change: c.608+325T>G on transcript NM_182916.3 (MANE Select); 325 bases into the intron after coding-DNA position 608, T replaced by G.
Molecular consequence: intron variant.
Genome position (GRCh38, 1-based): chr3:3,145,035, T>G. VCF-style: chr3-3145035-T-G. GRCh37 (hg19) VCF-style: chr3-3186719-T-G.
Other names: c.608+325T>G (NM_001367321.1, NM_001367323.1, NM_001367322.1 and 1 more transcripts).
Identifiers: ClinVar variation 671605 (VCV000671605.1), dbSNP rs3864049, ClinGen allele CA11591257.

ClinVar aggregate classification (germline): Benign (1 of 4 stars; one submission).

Allele frequency attached by ClinVar (database versions not stated): 1000 Genomes Project 0.11142; 1000 Genomes Project 30x 0.11415; gnomAD 0.12286 and 0.12395; TOPMed 0.12673; gnomAD exomes 0.13748.
gnomAD v4.1: 21,638 of 172,616 alleles (13%); highest among the groups gnomAD compares: Admixed American, 17%; 1,481 homozygotes.

Submission:

GeneDx
Classification: Benign. Last evaluated: 2018-06-14. Review status: criteria provided, single submitter. Criteria: GeneDx Variant Classification (06012015). Collection method: clinical testing. Allele origin: germline. Affected: yes.
Comment: This variant is considered likely benign or benign based on one or more of the following criteria: it is a conservative change, it occurs at a poorly conserved position in the protein, it is predicted to be benign by multiple in silico algorithms, and/or has population frequency not consistent with disease.